The following is an entry in ClinVar:

NM_007294.4(BRCA1):c.1576C>T (p.Gln526Ter)

Gene: BRCA1 (BRCA1 DNA repair associated; minus strand). Cytogenetic location: 17q21.31.
Variant type: single nucleotide variant.
Coding change: c.1576C>T on transcript NM_007294.4 (MANE Select); coding-DNA position 1576, C replaced by T.
Protein change: p.Gln526Ter; replaces glutamine 526 with a stop codon.
Molecular consequence: nonsense. On other transcripts: intron variant (137).
Genome position (GRCh38, 1-based): chr17:43,093,955, G>A on the plus strand (C>T on the coding strand, the complement: BRCA1 is on the minus strand). VCF-style: chr17-43093955-G-A. GRCh37 (hg19) VCF-style: chr17-41245972-G-A.
Other names: c.1573C>T, p.Gln525Ter (NM_001407591.1, NM_001407610.1, NM_001407611.1 and 22 more transcripts); c.1576C>T, p.Gln526Ter (NM_001407593.1, NM_001407594.1, NM_001407596.1 and 30 more transcripts); c.1567C>T, p.Gln523Ter (NM_001407646.1, NM_001407647.1); c.1453C>T, p.Gln485Ter (NM_001407648.1, NM_001407664.1, NM_001407665.1 and 19 more transcripts); c.1450C>T, p.Gln484Ter (NM_001407649.1, NM_001407670.1, NM_001407671.1 and 11 more transcripts); c.1498C>T, p.Gln500Ter (NM_001407653.1, NM_001407654.1, NM_001407655.1 and 4 more transcripts); c.1495C>T, p.Gln499Ter (NM_001407659.1, NM_001407660.1, NM_001407661.1 and 1 more transcripts); c.1435C>T, p.Gln479Ter (NM_001407692.1, NM_001407694.1, NM_001407695.1 and 29 more transcripts); and 40 more; short protein forms Q526*, Q479*, Q358*, Q398*, Q414*, Q415*, Q438*, Q478*.
Identifiers: ClinVar variation 54299 (VCV000054299.14), dbSNP rs80356984, ClinGen allele CA001054.

ClinVar aggregate classification (germline): Pathogenic. Review status: reviewed by expert panel (3 of 4 stars). 6 submissions from 6 submitters: Pathogenic (1). 5 of the submissions do not count toward it. Last evaluated 2016-09-08.

Conditions:
Hereditary cancer-predisposing syndrome. Also called: Tumor predisposition; Neoplastic Syndromes, Hereditary; Hereditary Cancer Syndrome; Hereditary neoplastic syndrome. Identifiers: Orphanet 140162, MedGen C0027672, MeSH D009386, MONDO:0015356.
Hereditary breast ovarian cancer syndrome. Also called: Hereditary breast and ovarian cancer syndrome (HBOC); Hereditary breast and ovarian cancer syndrome; Hereditary breast and ovarian cancer; Hereditary breast and/or ovarian cancer syndrome; Breast and ovarian cancer; BRCA1- and BRCA2-Associated Hereditary Breast and Ovarian Cancer. Identifiers: Orphanet 145, MedGen C0677776, MeSH D061325, MONDO:0003582. Disease mechanism: loss of function.
Breast-ovarian cancer, familial, susceptibility to, 1 (BROVCA1). Also called: OVARIAN CANCER, SUSCEPTIBILITY TO; BRCA1 Hereditary Breast and Ovarian Cancer. Identifiers: Orphanet 145, MedGen C2676676, MONDO:0011450, OMIM 604370. Disease mechanism: loss of function.

Submissions (6):

Evidence-based Network for the Interpretation of Germline Mutant Alleles (ENIGMA)
Classification: Pathogenic for Breast-ovarian cancer, familial, susceptibility to, 1. Last evaluated: 2016-09-08. Review status: reviewed by expert panel. Criteria: ENIGMA BRCA1/2 Classification Criteria (2015). Collection method: curation. Allele origin: germline.
Comment: Variant allele predicted to encode a truncated non-functional protein.

Genomic Medicine Center of Excellence, King Faisal Specialist Hospital and Research Centre
Classification: Uncertain significance for Breast-ovarian cancer, familial, susceptibility to, 1. Last evaluated: 2024-03-29. Review status: criteria provided, single submitter. Criteria: ACMG Guidelines, 2015. Collection method: clinical testing. Allele origin: germline. Not counted in ClinVar's aggregate classification.

Labcorp Genetics (formerly Invitae), Labcorp
Classification: Pathogenic for Hereditary breast ovarian cancer syndrome. Last evaluated: 2023-09-19. Review status: criteria provided, single submitter. Criteria: Invitae Variant Classification Sherloc (09022015). Collection method: clinical testing. Allele origin: germline. Not counted in ClinVar's aggregate classification.
Comment: For these reasons, this variant has been classified as Pathogenic. ClinVar contains an entry for this variant (Variation ID: 54299). This sequence change creates a premature translational stop signal (p.Gln526*) in the BRCA1 gene. It is expected to result in an absent or disrupted protein product. Loss-of-function variants in BRCA1 are known to be pathogenic (PMID: 20104584). This variant is not present in population databases (gnomAD no frequency). This premature translational stop signal has been observed in individual(s) with BRCA1-related conditions (PMID: 8533757, 29446198).

Ambry Genetics
Classification: Pathogenic for Hereditary cancer-predisposing syndrome. Last evaluated: 2023-01-10. Review status: criteria provided, single submitter. Criteria: Ambry Variant Classification Scheme 2023. Collection method: clinical testing. Allele origin: germline. Not counted in ClinVar's aggregate classification.
Comment: The p.Q526* pathogenic mutation (also known as c.1576C>T), located in coding exon 9 of the BRCA1 gene, results from a C to T substitution at nucleotide position 1576. This changes the amino acid from a glutamine to a stop codon within coding exon 9. This mutation has been reported in multiple HBOC families (Friedman, LS et al. Am J Hum Genet. 1995 Dec;57(6):1284-97; Perrin-Vidoz, L et al. Hum Mol Genet. 2002 Nov 1;11(23):2805-14). This variant is considered to be rare based on population cohorts in the Genome Aggregation Database (gnomAD). In addition to the clinical data presented in the literature, this alteration is expected to result in loss of function by premature protein truncation or nonsense-mediated mRNA decay. As such, this alteration is interpreted as a disease-causing mutation.

Consortium of Investigators of Modifiers of BRCA1/2 (CIMBA), c/o University of Cambridge
Classification: Pathogenic for Breast-ovarian cancer, familial, susceptibility to, 1. Last evaluated: 2015-10-02. Review status: criteria provided, single submitter. Criteria: CIMBA Mutation Classification guidelines May 2016. Collection method: clinical testing. Allele origin: germline. Not counted in ClinVar's aggregate classification.

Breast Cancer Information Core (BIC) (BRCA1)
Classification: Pathogenic for Breast-ovarian cancer, familial 1. Last evaluated: 1997-09-04. Review status: no assertion criteria provided. Collection method: clinical testing. Allele origin: germline. Affected: yes. Observed: 2 variant alleles. Not counted in ClinVar's aggregate classification.

Literature cited by the submitters: PubMed 20104584 (cited by Labcorp Genetics (formerly Invitae), Labcorp); PubMed 8533757 (cited by Labcorp Genetics (formerly Invitae), Labcorp); PubMed 29446198 (cited by Labcorp Genetics (formerly Invitae), Labcorp).